The following is an entry in ClinVar:

ClinVar aggregate classification (germline): Uncertain significance (1 of 4 stars; one submission).

Allele frequency attached by ClinVar (database versions not stated): TOPMed below 0.00001.
gnomAD v4.1: 2 of 1,614,134 alleles (0.00012%); highest among the groups gnomAD compares: Admixed American, 0.0017%; no homozygotes.

Submission:

Labcorp Genetics (formerly Invitae), Labcorp
Classification: Uncertain significance. Last evaluated: 2022-07-26. Review status: criteria provided, single submitter. Criteria: Invitae Variant Classification Sherloc (09022015). Collection method: clinical testing. Allele origin: germline.
Comment: This sequence change falls in intron 4 of the RDH5 gene. It does not directly change the encoded amino acid sequence of the RDH5 protein. This variant is present in population databases (rs766159716, gnomAD 0.003%). This variant has not been reported in the literature in individuals affected with RDH5-related conditions. Algorithms developed to predict the effect of sequence changes on RNA splicing suggest that this variant may create or strengthen a splice site. In summary, the available evidence is currently insufficient to determine the role of this variant in disease. Therefore, it has been classified as a Variant of Uncertain Significance.

NM_002905.5(RDH5):c.734-7G>T

Genes: BLOC1S1-RDH5 (BLOC1S1-RDH5 readthrough; plus strand), CD63 (CD63 molecule; minus strand), RDH5 (retinol dehydrogenase 5; plus strand). Cytogenetic location: 12q13.2.
Variant type: single nucleotide variant.
Coding change: c.734-7G>T on transcript NM_002905.5 (MANE Select); 7 bases into the intron before coding-DNA position 734, G replaced by T.
Molecular consequence: intron variant. On other transcripts: 3 prime UTR variant (2).
Genome position (GRCh38, 1-based): chr12:55,724,315, G>T. VCF-style: chr12-55724315-G-T. GRCh37 (hg19) VCF-style: chr12-56118099-G-T.
Other names: c.*749C>A (NM_001413284.1); c.*764C>A (NM_001413285.1); c.734-7G>T (NM_001199771.3).
Identifiers: ClinVar variation 1976739 (VCV001976739.2), dbSNP rs766159716, ClinGen allele CA6616944.
Genomic context (GRCh38, chr12:55,724,315, plus strand): 5'-AAGACAGTACCTAAGATGGGCTGGAGTGAGGAAGGGAAACTGATTGCAACCACCTATGGG[G>T]CTGCAGACCTGAAAATGCAACAGCGCATCATGAACCTGATCTGTGACCCGGACCTAACCA-3'